The following is an entry in ClinVar:

NM_003476.5(CSRP3):c.508+17A>T

Gene: CSRP3 (cysteine and glycine rich protein 3; minus strand). Cytogenetic location: 11p15.1.
Variant type: single nucleotide variant.
Coding change: c.508+17A>T on transcript NM_003476.5 (MANE Select); 17 bases into the intron after coding-DNA position 508, A replaced by T.
Molecular consequence: intron variant.
Genome position (GRCh38, 1-based): chr11:19,184,935, T>A on the plus strand (A>T on the coding strand, the complement: CSRP3 is on the minus strand). VCF-style: chr11-19184935-T-A. GRCh37 (hg19) VCF-style: chr11-19206482-T-A.
Other names: c.339+17A>T (NM_001369404.1).
Identifiers: ClinVar variation 514197 (VCV000514197.4), dbSNP rs373822409, ClinGen allele CA218632615.

ClinVar aggregate classification (germline): Likely benign. Review status: criteria provided, multiple submitters, no conflicts (2 of 4 stars). 2 submissions from 2 submitters: Likely benign (2). Last evaluated 2025-02-04.

Conditions:
Hypertrophic cardiomyopathy 12. Identifiers: MedGen C2677491, MONDO:0012804, OMIM 612124.
Dilated cardiomyopathy 1M (CMD1M). Identifiers: Orphanet 154, MedGen C1843808, MONDO:0011840, OMIM 607482.

Allele frequency attached by ClinVar (database versions not stated): gnomAD exomes 0.00001; ESP Exome Variant Server 0.00008.
gnomAD v4.1: 7 of 1,580,164 alleles (0.00044%); highest among the groups gnomAD compares: Non-Finnish European, 0.00061%; no homozygotes.

Submissions (2):

Labcorp Genetics (formerly Invitae), Labcorp
Classification: Likely benign for Hypertrophic cardiomyopathy 12; Dilated cardiomyopathy 1M. Last evaluated: 2025-02-04. Review status: criteria provided, single submitter. Criteria: Invitae Variant Classification Sherloc (09022015). Collection method: clinical testing. Allele origin: germline.

GeneDx
Classification: Likely benign. Last evaluated: 2017-12-20. Review status: criteria provided, single submitter. Criteria: GeneDx Variant Classification (06012015). Collection method: clinical testing. Allele origin: germline. Affected: yes.
Comment: This variant is considered likely benign or benign based on one or more of the following criteria: it is a conservative change, it occurs at a poorly conserved position in the protein, it is predicted to be benign by multiple in silico algorithms, and/or has population frequency not consistent with disease.